The following is an entry in ClinVar:

ClinVar aggregate classification (germline): Pathogenic (1 of 4 stars; one submission).

Submission:

Quest Diagnostics Nichols Institute San Juan Capistrano
Classification: Pathogenic. Last evaluated: 2023-03-12. Review status: criteria provided, single submitter. Criteria: ACMG/ClinGen CNV Guidelines, 2019. Collection method: clinical testing. Allele origin: unknown.
Comment: This copy number loss is associated with the proximal (LCR22 A-D) 22q11.2 deletion syndrome, a.k.a. Velocardiofacial syndrome (VCFS) or DiGeorge syndrome (DGS) (OMIM 192430; OMIM 188400). Haploinsufficiency of the TBX1 gene in particular is responsible for most of the clinical features. See GeneReviews for additional information and references.

GRCh37/hg19 22q11.21(chr22:19046677-21465662)x1

Genes: AIFM3 (AIF family member 3; plus strand), ARVCF (ARVCF delta catenin family member; minus strand), C22orf39 (chromosome 22 open reading frame 39; minus strand), CDC45 (cell division cycle 45; plus strand), CLDN5 (claudin 5; minus strand) and 40 more. Cytogenetic location: 22q11.21.
Variant type: copy number loss.
Change: copy number 1 (one copy instead of two) of chr22:19,046,677-21,465,662 (2.42 Mb, GRCh37 coordinates, 1-based), cytogenetic band 22q11.21.
Identifiers: ClinVar variation 1808421 (VCV001808421.2).